The following is an entry in ClinVar:

ClinVar aggregate classification (germline): Uncertain significance (1 of 4 stars; one submission).

Allele frequency attached by ClinVar (database versions not stated): 1000 Genomes Project 30x 0.00031.
gnomAD v4.1: 21 of 1,576,984 alleles (0.0013%); highest among the groups gnomAD compares: South Asian, 0.016%; no homozygotes.

Submission:

Labcorp Genetics (formerly Invitae), Labcorp
Classification: Uncertain significance. Last evaluated: 2024-06-11. Review status: criteria provided, single submitter. Criteria: Invitae Variant Classification Sherloc (09022015). Collection method: clinical testing. Allele origin: germline.
Comment: This sequence change replaces proline, which is neutral and non-polar, with glutamine, which is neutral and polar, at codon 490 of the PLEKHM2 protein (p.Pro490Gln). The frequency data for this variant in the population databases is considered unreliable, as metrics indicate poor data quality at this position in the gnomAD database. This variant has not been reported in the literature in individuals affected with PLEKHM2-related conditions. ClinVar contains an entry for this variant (Variation ID: 1413735). An algorithm developed to predict the effect of missense changes on protein structure and function (PolyPhen-2) suggests that this variant is likely to be disruptive. In summary, the available evidence is currently insufficient to determine the role of this variant in disease. Therefore, it has been classified as a Variant of Uncertain Significance.

NM_015164.4(PLEKHM2):c.1469C>A (p.Pro490Gln)

Gene: PLEKHM2 (pleckstrin homology and RUN domain containing M2; plus strand). Cytogenetic location: 1p36.21.
Variant type: single nucleotide variant.
Coding change: c.1469C>A on transcript NM_015164.4 (MANE Select); coding-DNA position 1469, C replaced by A.
Protein change: p.Pro490Gln; replaces proline 490 with glutamine.
Molecular consequence: missense variant.
Genome position (GRCh38, 1-based): chr1:15,727,541, C>A. VCF-style: chr1-15727541-C-A. GRCh37 (hg19) VCF-style: chr1-16054036-C-A.
Other names: short protein forms P490Q.
Identifiers: ClinVar variation 1413735 (VCV001413735.6), dbSNP rs368020288, ClinGen allele CA616944.